The following is an entry in ClinVar:

ClinVar aggregate classification (germline): Uncertain significance (1 of 4 stars; one submission).

Submission:

Labcorp Genetics (formerly Invitae), Labcorp
Classification: Uncertain significance. Last evaluated: 2024-10-17. Review status: criteria provided, single submitter. Criteria: Invitae Variant Classification Sherloc (09022015). Collection method: clinical testing. Allele origin: germline.
Comment: This sequence change replaces arginine, which is basic and polar, with proline, which is neutral and non-polar, at codon 36 of the LZTS1 protein (p.Arg36Pro). This variant is not present in population databases (gnomAD no frequency). This variant has not been reported in the literature in individuals affected with LZTS1-related conditions. Invitae Evidence Modeling of protein sequence and biophysical properties (such as structural, functional, and spatial information, amino acid conservation, physicochemical variation, residue mobility, and thermodynamic stability) indicates that this missense variant is not expected to disrupt LZTS1 protein function with a negative predictive value of 80%. In summary, the available evidence is currently insufficient to determine the role of this variant in disease. Therefore, it has been classified as a Variant of Uncertain Significance.

NM_021020.5(LZTS1):c.107G>C (p.Arg36Pro)

Gene: LZTS1 (leucine zipper tumor suppressor 1; minus strand). Cytogenetic location: 8p21.3.
Variant type: single nucleotide variant.
Coding change: c.107G>C on transcript NM_021020.5 (MANE Select); coding-DNA position 107, G replaced by C.
Protein change: p.Arg36Pro; replaces arginine 36 with proline.
Molecular consequence: missense variant.
Genome position (GRCh38, 1-based): chr8:20,255,075, C>G on the plus strand (G>C on the coding strand, the complement: LZTS1 is on the minus strand). VCF-style: chr8-20255075-C-G. GRCh37 (hg19) VCF-style: chr8-20112586-C-G.
Other names: c.107G>C, p.Arg36Pro (NM_001362884.2); short protein forms R36P.
Identifiers: ClinVar variation 3701516 (VCV003701516.2).
Genomic context (GRCh38, chr8:20,255,075, plus strand): 5'-CTGGACTTGCCGTGACCGGAGTCCTGGGAGAAGCCAAACCTCAGCAGCCCGTCGGAATAC[C>G]GGTTGAGCTTCTTGAGGTGGGAGGACTTGCGCAGCTTGTACTGCGAAGCCCGGCAGTGCT-3'
Protein context (NP_066300.1, residues 26-46): RKSSHLKKLN[Arg36Pro]YSDGLLRFGF